The following is an entry in ClinVar:

NM_001038.6(SCNN1A):c.1484C>T (p.Ser495Leu)

Gene: SCNN1A (sodium channel epithelial 1 subunit alpha; minus strand). Cytogenetic location: 12p13.31.
Variant type: single nucleotide variant.
Coding change: c.1484C>T on transcript NM_001038.6 (MANE Select); coding-DNA position 1484, C replaced by T.
Protein change: p.Ser495Leu; replaces serine 495 with leucine.
Molecular consequence: missense variant.
Genome position (GRCh38, 1-based): chr12:6,349,177, G>A on the plus strand (C>T on the coding strand, the complement: SCNN1A is on the minus strand). VCF-style: chr12-6349177-G-A. GRCh37 (hg19) VCF-style: chr12-6458343-G-A.
Other names: p.Ser495Leu; c.1553C>T, p.Ser518Leu (NM_001159575.2); c.1661C>T, p.Ser554Leu (NM_001159576.2); short protein forms S495L, S554L, S518L.
Identifiers: ClinVar variation 310138 (VCV000310138.19), dbSNP rs148749888, ClinGen allele CA6405834.

ClinVar aggregate classification (germline): Conflicting classifications of pathogenicity. Review status: criteria provided, conflicting classifications (1 of 4 stars). 6 submissions from 5 submitters: Uncertain significance (1); Benign (2); Likely benign (3). Last evaluated 2025-12-07.

Conditions:
Pseudohypoaldosteronism, type IB1, autosomal recessive. Also called: Autosomal recessive pseudohypoaldosteronism type 1; PHA I, AUTOSOMAL RECESSIVE; Pseudohypoaldosteronism, Type I, Autosomal Recessive; Pseudohypoaldosteronism, Type I, Recessive. Identifiers: Orphanet 171876, Orphanet 756, MedGen C5774176, MONDO:0009917, OMIM 264350.
Bronchiectasis with or without elevated sweat chloride 2 (BESC2). Identifiers: Orphanet 60033, MedGen C2751666, MONDO:0013087, OMIM 613021.

Allele frequency attached by ClinVar (database versions not stated): ESP Exome Variant Server 0.00031; gnomAD exomes 0.00076 and 0.00113; gnomAD 0.00078 and 0.00083; TOPMed 0.00082; 1000 Genomes Project 30x 0.00109; ExAC 0.00111; 1000 Genomes Project 0.00140.
gnomAD v4.1: 1,256 of 1,614,032 alleles (0.078%); highest among the groups gnomAD compares: Middle Eastern, 0.56%; 5 homozygotes.

Submissions (6):

Mayo Clinic Laboratories, Mayo Clinic
Classification: Likely benign. Last evaluated: 2025-12-07. Review status: criteria provided, single submitter. Criteria: ACMG Guidelines, 2015. Collection method: clinical testing. Allele origin: germline. Observed: 1 variant allele.
Comment: BS1, PP3

Labcorp Genetics (formerly Invitae), Labcorp
Classification: Benign. Last evaluated: 2025-11-08. Review status: criteria provided, single submitter. Criteria: Invitae Variant Classification Sherloc (09022015). Collection method: clinical testing. Allele origin: germline.

Blueprint Genetics
Classification: Likely benign. Last evaluated: 2024-11-27. Review status: criteria provided, single submitter. Criteria: ACMG Guidelines, 2015. Collection method: clinical testing. Allele origin: germline.

Illumina Laboratory Services, Illumina
Classification: Uncertain significance for Pseudohypoaldosteronism, type IB1, autosomal recessive. Last evaluated: 2018-01-12. Review status: criteria provided, single submitter. Criteria: ICSL Variant Classification Criteria 13 December 2019. Collection method: clinical testing. Allele origin: germline.

Illumina Laboratory Services, Illumina
Classification: Benign for Bronchiectasis with or without elevated sweat chloride 2. Last evaluated: 2018-01-12. Review status: criteria provided, single submitter. Criteria: ICSL Variant Classification Criteria 13 December 2019. Collection method: clinical testing. Allele origin: germline.
Comment: This variant was observed in the ICSL laboratory as part of a predisposition screen in an ostensibly healthy population. It had not been previously curated by ICSL or reported in the Human Gene Mutation Database (HGMD: prior to June 1st, 2018), and was therefore a candidate for classification through an automated scoring system. Utilizing variant allele frequency, disease prevalence and penetrance estimates, and inheritance mode, an automated score was calculated to assess if this variant is too frequent to cause the disease. Based on the score and internal cut-off values, a variant classified as benign is not then subjected to further curation. The score for this variant resulted in a classification of benign for this disease.

Eurofins Ntd Llc (ga)
Classification: Likely benign. Last evaluated: 2017-07-31. Review status: criteria provided, single submitter. Criteria: EGL Classification Definitions 2015. Collection method: clinical testing. Allele origin: germline. Observed: 1 variant allele, 1 heterozygote.